The following is an entry in ClinVar:

ClinVar aggregate classification (germline): Uncertain significance (1 of 4 stars; one submission).

Allele frequency attached by ClinVar (database versions not stated): gnomAD exomes below 0.00001 and 0.00001; TOPMed below 0.00001; ExAC 0.00001; gnomAD 0.00001.
gnomAD v4.1: 11 of 1,607,792 alleles (0.00068%); highest among the groups gnomAD compares: Admixed American, 0.0034%; no homozygotes.

Submission:

Labcorp Genetics (formerly Invitae), Labcorp
Classification: Uncertain significance. Last evaluated: 2022-03-13. Review status: criteria provided, single submitter. Criteria: Invitae Variant Classification Sherloc (09022015). Collection method: clinical testing. Allele origin: germline.
Comment: In summary, the available evidence is currently insufficient to determine the role of this variant in disease. Therefore, it has been classified as a Variant of Uncertain Significance. Algorithms developed to predict the effect of missense changes on protein structure and function (SIFT, PolyPhen-2, Align-GVGD) all suggest that this variant is likely to be tolerated. ClinVar contains an entry for this variant (Variation ID: 1023445). This variant has not been reported in the literature in individuals affected with ADGRV1-related conditions. The frequency data for this variant in the population databases is considered unreliable, as metrics indicate poor data quality at this position in the gnomAD database. This sequence change replaces alanine, which is neutral and non-polar, with threonine, which is neutral and polar, at codon 4270 of the ADGRV1 protein (p.Ala4270Thr).

NM_032119.4(ADGRV1):c.12808G>A (p.Ala4270Thr)

Gene: ADGRV1 (adhesion G protein-coupled receptor V1; plus strand). Cytogenetic location: 5q14.3.
Variant type: single nucleotide variant.
Coding change: c.12808G>A on transcript NM_032119.4 (MANE Select); coding-DNA position 12808, G replaced by A.
Protein change: p.Ala4270Thr; replaces alanine 4270 with threonine.
Molecular consequence: missense variant. On other transcripts: non-coding transcript variant (1).
Genome position (GRCh38, 1-based): chr5:90,778,568, G>A. VCF-style: chr5-90778568-G-A. GRCh37 (hg19) VCF-style: chr5-90074385-G-A.
Other names: short protein forms A4270T.
Identifiers: ClinVar variation 1023445 (VCV001023445.6), dbSNP rs764054997, ClinGen allele CA3341338.